The following is an entry in ClinVar:

ClinVar aggregate classification (germline): Uncertain significance. Review status: criteria provided, multiple submitters, no conflicts (2 of 4 stars). 2 submissions from 2 submitters: Uncertain significance (2). Last evaluated 2025-06-10.

Conditions:
Juvenile onset Parkinson disease 19A. Also called: PARK19; DNAJC6 Parkinson Disease. Identifiers: Orphanet 391411, MedGen C3809811, MONDO:0014231, OMIM 615528.

Allele frequency attached by ClinVar (database versions not stated): ExAC 0.00001.
gnomAD v4.1: 17 of 1,613,866 alleles (0.0011%); highest among the groups gnomAD compares: Non-Finnish European, 0.0014%; no homozygotes.

Submissions (2):

GeneDx
Classification: Uncertain significance. Last evaluated: 2025-06-10. Review status: criteria provided, single submitter. Criteria: GeneDx Variant Classification Process June 2021. Collection method: clinical testing. Allele origin: germline. Affected: yes.
Comment: Not observed at significant frequency in large population cohorts (gnomAD); In silico analysis supports a deleterious effect on splicing; Has not been previously published as pathogenic or benign to our knowledge

Labcorp Genetics (formerly Invitae), Labcorp
Classification: Uncertain significance for Juvenile onset Parkinson disease 19A. Last evaluated: 2022-06-17. Review status: criteria provided, single submitter. Criteria: Invitae Variant Classification Sherloc (09022015). Collection method: clinical testing. Allele origin: germline.
Comment: This sequence change affects codon 702 of the DNAJC6 mRNA. It is a 'silent' change, meaning that it does not change the encoded amino acid sequence of the DNAJC6 protein. It affects a nucleotide within the consensus splice site. This variant is present in population databases (rs774250417, gnomAD 0.002%). This variant has not been reported in the literature in individuals affected with DNAJC6-related conditions. Algorithms developed to predict the effect of sequence changes on RNA splicing suggest that this variant may disrupt the consensus splice site. In summary, the available evidence is currently insufficient to determine the role of this variant in disease. Therefore, it has been classified as a Variant of Uncertain Significance.

NM_001256864.2(DNAJC6):c.2106A>G (p.Pro702=)

Gene: DNAJC6 (DnaJ heat shock protein family (Hsp40) member C6; plus strand). Cytogenetic location: 1p31.3.
Variant type: single nucleotide variant.
Coding change: c.2106A>G on transcript NM_001256864.2 (MANE Select); coding-DNA position 2106, A replaced by G.
Protein change: p.Pro702=; no amino-acid change (proline 702 retained).
Molecular consequence: synonymous variant.
Genome position (GRCh38, 1-based): chr1:65,398,880, A>G. VCF-style: chr1-65398880-A-G. GRCh37 (hg19) VCF-style: chr1-65864563-A-G.
Other names: c.1896A>G, p.Pro632= (NM_001256865.2); c.1935A>G, p.Pro645= (NM_014787.4); c.2106A>G (NM_001256864.1).
Identifiers: ClinVar variation 2138764 (VCV002138764.5), dbSNP rs774250417, ClinGen allele CA894073.